The following is an entry in ClinVar:

NM_013275.6(ANKRD11):c.3779C>A (p.Ser1260Ter)

Gene: ANKRD11 (ankyrin repeat domain 11; minus strand). Cytogenetic location: 16q24.3.
Variant type: single nucleotide variant.
Coding change: c.3779C>A on transcript NM_013275.6 (MANE Select); coding-DNA position 3779, C replaced by A.
Protein change: p.Ser1260Ter; replaces serine 1260 with a stop codon.
Molecular consequence: nonsense.
Genome position (GRCh38, 1-based): chr16:89,282,763, G>T on the plus strand (C>A on the coding strand, the complement: ANKRD11 is on the minus strand). VCF-style: chr16-89282763-G-T. GRCh37 (hg19) VCF-style: chr16-89349171-G-T.
Other names: c.3779C>A, p.Ser1260Ter (NM_001256182.2, NM_001256183.2); short protein forms S1260*.
Identifiers: ClinVar variation 2503464 (VCV002503464.1), dbSNP rs2544235765, ClinGen allele CA397159020.
Genomic context (GRCh38, chr16:89,282,763, plus strand): 5'-AGGCTTTTTTCCGCGTCGGCACTTCTCGAGGACTTCCTCTCCTTGGAATGTTCTTTGTCC[G>T]ACTTCTCTTTGTGTTTGCTTTTAGCCTTGTCTTCGGCAGCGTGCTTCTTTTCAGCCTTCT-3'

ClinVar aggregate classification (germline): Pathogenic (1 of 4 stars; one submission).

Conditions:
KBG syndrome (KBGS). Also called: ANKRD11-Related KBG Syndrome. Identifiers: Orphanet 2332, MedGen C0220687, MONDO:0007846, OMIM 148050.

gnomAD v4.1: 1 of 1,612,680 alleles (0.000062%); no homozygotes.

Submission:

Medical Genetics Unit, Azienda USL-IRCCS di Reggio Emilia
Classification: Pathogenic for KBG syndrome. Last evaluated: 2022-07-27. Review status: criteria provided, single submitter. Criteria: ACMG Guidelines, 2015. Collection method: clinical testing. Allele origin: de novo. Affected: yes. Observed: 1 variant allele.
Comment: ACMG/AMP: PVS1,PS2,PM2